The following is an entry in ClinVar:

NM_001271938.2(MEGF8):c.6761G>T (p.Arg2254Leu)

Gene: MEGF8 (multiple EGF like domains 8; plus strand). Cytogenetic location: 19q13.2.
Variant type: single nucleotide variant.
Coding change: c.6761G>T on transcript NM_001271938.2 (MANE Select); coding-DNA position 6761, G replaced by T.
Protein change: p.Arg2254Leu; replaces arginine 2254 with leucine.
Molecular consequence: missense variant.
Genome position (GRCh38, 1-based): chr19:42,369,650, G>T. VCF-style: chr19-42369650-G-T. GRCh37 (hg19) VCF-style: chr19-42873802-G-T.
Other names: c.6560G>T, p.Arg2187Leu (NM_001410.3); short protein forms R2187L, R2254L.
Identifiers: ClinVar variation 4687385 (VCV004687385.1).

ClinVar aggregate classification (germline): Uncertain significance (1 of 4 stars; one submission).

Submission:

Women's Health and Genetics/Laboratory Corporation of America, LabCorp
Classification: Uncertain significance. Last evaluated: 2025-10-09. Review status: criteria provided, single submitter. Criteria: LabCorp Variant Classification Summary - May 2015. Collection method: clinical testing. Allele origin: germline.
Comment: Variant summary: MEGF8 c.6560G>T (p.Arg2187Leu) results in a non-conservative amino acid change in the encoded protein sequence. Algorithms developed to predict the effect of missense changes on protein structure and function are either unavailable or do not agree on the potential impact of this missense change. The variant was absent in 242174 control chromosomes. The available data on variant occurrences in the general population are insufficient to allow any conclusion about variant significance. To our knowledge, no occurrence of c.6560G>T in individuals affected with MEGF8-related conditions and no experimental evidence demonstrating its impact on protein function have been reported. No submitters have cited clinical-significance assessments for this variant to ClinVar. Based on the evidence outlined above, the variant was classified as uncertain significance.